The following is an entry in ClinVar:

NM_001145715.3(KPNA7):c.1190G>T (p.Gly397Val)

Gene: KPNA7 (karyopherin subunit alpha 7; minus strand). Cytogenetic location: 7q22.1.
Variant type: single nucleotide variant.
Coding change: c.1190G>T on transcript NM_001145715.3 (MANE Select); coding-DNA position 1190, G replaced by T.
Protein change: p.Gly397Val; replaces glycine 397 with valine.
Molecular consequence: missense variant.
Genome position (GRCh38, 1-based): chr7:99,182,010, C>A on the plus strand (G>T on the coding strand, the complement: KPNA7 is on the minus strand). VCF-style: chr7-99182010-C-A. GRCh37 (hg19) VCF-style: chr7-98779633-C-A.
Other names: short protein forms G397V.
Identifiers: ClinVar variation 1015751 (VCV001015751.9), dbSNP rs920542163, ClinGen allele CA163744985.

ClinVar aggregate classification (germline): Uncertain significance (1 of 4 stars; one submission).

Allele frequency attached by ClinVar (database versions not stated): TOPMed below 0.00001; gnomAD exomes 0.00001.
gnomAD v4.1: 4 of 1,549,232 alleles (0.00026%); highest among the groups gnomAD compares: Admixed American, 0.002%; no homozygotes.

Submission:

Labcorp Genetics (formerly Invitae), Labcorp
Classification: Uncertain significance. Last evaluated: 2022-01-05. Review status: criteria provided, single submitter. Criteria: Invitae Variant Classification Sherloc (09022015). Collection method: clinical testing. Allele origin: germline.
Comment: In summary, the available evidence is currently insufficient to determine the role of this variant in disease. Therefore, it has been classified as a Variant of Uncertain Significance. Algorithms developed to predict the effect of missense changes on protein structure and function are either unavailable or do not agree on the potential impact of this missense change (SIFT: "Deleterious"; PolyPhen-2: "Probably Damaging"; Align-GVGD: "Class C15"). ClinVar contains an entry for this variant (Variation ID: 1015751). This variant has not been reported in the literature in individuals affected with KPNA7-related conditions. This variant is present in population databases (no rsID available, gnomAD 0.002%). This sequence change replaces glycine, which is neutral and non-polar, with valine, which is neutral and non-polar, at codon 397 of the KPNA7 protein (p.Gly397Val).